The following is an entry in ClinVar:

ClinVar aggregate classification (germline): Uncertain significance (1 of 4 stars; one submission).

Allele frequency attached by ClinVar (database versions not stated): TOPMed below 0.00001; ExAC 0.00001.
gnomAD v4.1: 24 of 1,614,070 alleles (0.0015%); highest among the groups gnomAD compares: Non-Finnish European, 0.0019%; no homozygotes.

Submission:

Labcorp Genetics (formerly Invitae), Labcorp
Classification: Uncertain significance. Last evaluated: 2022-02-09. Review status: criteria provided, single submitter. Criteria: Invitae Variant Classification Sherloc (09022015). Collection method: clinical testing. Allele origin: germline.
Comment: This variant has not been reported in the literature in individuals affected with P3H2-related conditions. Algorithms developed to predict the effect of missense changes on protein structure and function are either unavailable or do not agree on the potential impact of this missense change (SIFT: "Deleterious"; PolyPhen-2: "Probably Damaging"; Align-GVGD: "Class C0"). This sequence change replaces glutamic acid, which is acidic and polar, with glutamine, which is neutral and polar, at codon 183 of the P3H2 protein (p.Glu183Gln). This variant is present in population databases (rs770795519, gnomAD 0.002%). In summary, the available evidence is currently insufficient to determine the role of this variant in disease. Therefore, it has been classified as a Variant of Uncertain Significance.

NM_018192.4(P3H2):c.547G>C (p.Glu183Gln)

Gene: P3H2 (prolyl 3-hydroxylase 2; minus strand). Cytogenetic location: 3q28.
Variant type: single nucleotide variant.
Coding change: c.547G>C on transcript NM_018192.4 (MANE Select); coding-DNA position 547, G replaced by C.
Protein change: p.Glu183Gln; replaces glutamic acid 183 with glutamine.
Molecular consequence: missense variant.
Genome position (GRCh38, 1-based): chr3:189,995,376, C>G on the plus strand (G>C on the coding strand, the complement: P3H2 is on the minus strand). VCF-style: chr3-189995376-C-G. GRCh37 (hg19) VCF-style: chr3-189713165-C-G.
Other names: c.4G>C, p.Glu2Gln (NM_001134418.2); short protein forms E183Q, E2Q.
Identifiers: ClinVar variation 2200481 (VCV002200481.4), dbSNP rs770795519, ClinGen allele CA2753309.